The following is an entry in ClinVar:

NM_001481.3(DRC4):c.833G>T (p.Arg278Leu)

Gene: DRC4 (dynein regulatory complex subunit 4; plus strand). Cytogenetic location: 16q24.3.
Variant type: single nucleotide variant.
Coding change: c.833G>T on transcript NM_001481.3 (MANE Select); coding-DNA position 833, G replaced by T.
Protein change: p.Arg278Leu; replaces arginine 278 with leucine.
Molecular consequence: missense variant.
Genome position (GRCh38, 1-based): chr16:90,037,308, G>T. VCF-style: chr16-90037308-G-T. GRCh37 (hg19) VCF-style: chr16-90103716-G-T.
Other names: c.584G>T, p.Arg195Leu (NM_001286205.2); c.257G>T, p.Arg86Leu (NM_001286208.2); c.758G>T, p.Arg253Leu (NM_001286209.2); short protein forms R253L, R278L, R195L, R86L.
Identifiers: ClinVar variation 4782996 (VCV004782996.1).

ClinVar aggregate classification (germline): Uncertain significance (1 of 4 stars; one submission).

Conditions:
Primary ciliary dyskinesia 33. Also called: CILIARY DYSKINESIA, PRIMARY, 33, WITHOUT SITUS INVERSUS. Identifiers: Orphanet 244, MedGen C4225230, MONDO:0014750, OMIM 616726.

Submission:

Labcorp Genetics (formerly Invitae), Labcorp
Classification: Uncertain significance for Primary ciliary dyskinesia 33. Last evaluated: 2025-02-17. Review status: criteria provided, single submitter. Criteria: Invitae Variant Classification Sherloc (09022015). Collection method: clinical testing. Allele origin: germline.
Comment: This sequence change replaces arginine, which is basic and polar, with leucine, which is neutral and non-polar, at codon 278 of the GAS8 protein (p.Arg278Leu). This variant is not present in population databases (gnomAD no frequency). This variant has not been reported in the literature in individuals affected with GAS8-related conditions. An algorithm developed to predict the effect of missense changes on protein structure and function outputs the following: PolyPhen-2: "Benign". The leucine amino acid residue is found in multiple mammalian species, which suggests that this missense change does not adversely affect protein function. In summary, the available evidence is currently insufficient to determine the role of this variant in disease. Therefore, it has been classified as a Variant of Uncertain Significance.